The following is an entry in ClinVar:

ClinVar aggregate classification (germline): Uncertain significance (0 of 4 stars; one submission).

Conditions:
CTNNA3-related disorder. Also called: CTNNA3-related condition.

Allele frequency attached by ClinVar (database versions not stated): gnomAD exomes below 0.00001; TOPMed below 0.00001; gnomAD 0.00001.
gnomAD v4.1: 2 of 1,613,984 alleles (0.00012%); highest among the groups gnomAD compares: Non-Finnish European, 0.00017%; no homozygotes.

Submission:

PreventionGenetics, part of Exact Sciences
Classification: Uncertain significance for CTNNA3-related condition. Last evaluated: 2024-04-10. Review status: no assertion criteria provided. Collection method: clinical testing. Allele origin: germline.
Comment: The CTNNA3 c.1910C>T variant is predicted to result in the amino acid substitution p.Ser637Phe. To our knowledge, this variant has not been reported in the literature or in a large population database, indicating this variant is rare. At this time, the clinical significance of this variant is uncertain due to the absence of conclusive functional and genetic evidence.

NM_013266.4(CTNNA3):c.1910C>T (p.Ser637Phe)

Genes: CTNNA3 (catenin alpha 3; minus strand), CTNNA3-AS1 (CTNNA3 antisense RNA 1; plus strand). Cytogenetic location: 10q21.3.
Variant type: single nucleotide variant.
Coding change: c.1910C>T on transcript NM_013266.4 (MANE Select); coding-DNA position 1910, C replaced by T.
Protein change: p.Ser637Phe; replaces serine 637 with phenylalanine.
Molecular consequence: missense variant.
Genome position (GRCh38, 1-based): chr10:66,103,224, G>A on the plus strand (C>T on the coding strand, the complement: CTNNA3 is on the minus strand). VCF-style: chr10-66103224-G-A. GRCh37 (hg19) VCF-style: chr10-67862982-G-A.
Other names: c.1910C>T, p.Ser637Phe (NM_001127384.3); short protein forms S637F.
Identifiers: ClinVar variation 2631177 (VCV002631177.2), dbSNP rs2081723295, ClinGen allele CA377090776.